The following is an entry in ClinVar:

NM_032444.4(SLX4):c.5229dup (p.Gln1744fs)

Gene: SLX4 (SLX4 structure-specific endonuclease subunit; minus strand). Cytogenetic location: 16p13.3.
Variant type: Duplication.
Coding change: c.5229dup on transcript NM_032444.4 (MANE Select); coding-DNA position 5229, one base duplicated (G; older notation c.5229dupG).
Protein change: p.Gln1744fs; shifts the reading frame from glutamine 1744.
Molecular consequence: frameshift variant.
Genome position (GRCh38, 1-based): chr16:3,582,618, C duplicated on the plus strand (G on the coding strand, the reverse complement: SLX4 is on the minus strand). VCF-style (leftmost placement, unchanged base first): chr16-3582617-G-GC. GRCh37 (hg19) VCF-style: chr16-3632618-G-GC.
Other names: c.5229dupG (NM_032444.2); c.5229dup (LRG_503t1); short protein forms Q1744fs.
Identifiers: ClinVar variation 456333 (VCV000456333.48), dbSNP rs781479923, ClinGen allele CA7865370.

ClinVar aggregate classification (germline): Likely pathogenic. Review status: criteria provided, multiple submitters, no conflicts (2 of 4 stars). 2 submissions from 2 submitters: Likely pathogenic (2). Last evaluated 2025-06-01.

Conditions:
Fanconi anemia (FA). Also called: Fanconi's anemia. Identifiers: Orphanet 84, MedGen C0015625, MeSH D005199, MONDO:0019391.

Allele frequency attached by ClinVar (database versions not stated): gnomAD exomes below 0.00001; ExAC 0.00001.

Submissions (2):

CeGaT Center for Human Genetics Tuebingen
Classification: Likely pathogenic. Last evaluated: 2025-06-01. Review status: criteria provided, single submitter. Criteria: CeGaT Center For Human Genetics Tuebingen Variant Classification Criteria Version 2. Collection method: clinical testing. Allele origin: germline. Affected: yes. Observed: 3 variant alleles.
Comment: SLX4: PVS1:Strong, PM2

Labcorp Genetics (formerly Invitae), Labcorp
Classification: Likely pathogenic for Fanconi anemia. Last evaluated: 2021-06-13. Review status: criteria provided, single submitter. Criteria: Invitae Variant Classification Sherloc (09022015). Collection method: clinical testing. Allele origin: germline.
Comment: This sequence change results in a premature translational stop signal in the SLX4 gene (p.Gln1744Alafs*34). While this is not anticipated to result in nonsense mediated decay, it is expected to disrupt the last 91 amino acids of the SLX4 protein. In summary, the currently available evidence indicates that the variant is pathogenic, but additional data are needed to prove that conclusively. Therefore, this variant has been classified as Likely Pathogenic. No experimental studies have been performed to test the effects of this variant on SLX4 protein function or stability. However, it is expected to result in the disruption of the last 91 amino acids (Gln1744-Asn1834) of the SLX4 protein. This removes most of the SLX1 interaction domain, which has been shown to be critical for SLX1-SLX4 complexing, and therefore will affect their Holliday junction resolvase and 5'-flap endonuclease activities (PMID: 19596235, 19596236). This variant has been reported in an individual affected with breast cancer (PMID: 24733792). This variant is present in population databases (rs781479923, ExAC 0.002%).

Literature cited by the submitters: PubMed 19596235 (cited by Labcorp Genetics (formerly Invitae), Labcorp); PubMed 19596236 (cited by Labcorp Genetics (formerly Invitae), Labcorp); PubMed 24733792 (cited by Labcorp Genetics (formerly Invitae), Labcorp).